The following is an entry in ClinVar:

NM_024675.4(PALB2):c.1668A>G (p.Leu556=)

Gene: PALB2 (partner and localizer of BRCA2; minus strand). Cytogenetic location: 16p12.2.
Variant type: single nucleotide variant.
Coding change: c.1668A>G on transcript NM_024675.4 (MANE Select); coding-DNA position 1668, A replaced by G.
Protein change: p.Leu556=; no amino-acid change (leucine 556 retained).
Molecular consequence: synonymous variant. On other transcripts: intron variant (3).
Genome position (GRCh38, 1-based): chr16:23,634,878, T>C on the plus strand (A>G on the coding strand, the complement: PALB2 is on the minus strand). VCF-style: chr16-23634878-T-C. GRCh37 (hg19) VCF-style: chr16-23646199-T-C.
Other names: c.1608A>G, p.Leu536= (NM_001407296.1); c.1668A>G, p.Leu556= (NM_001407297.1, NM_001407298.1, NM_001407299.1 and 3 more transcripts); c.783A>G, p.Leu261= (NM_001407304.1, NM_001407305.1, NM_001407306.1 and 5 more transcripts); c.49-5603A>G (NM_001407314.1); c.-104-4409A>G (NM_001407313.1, NM_001407312.1).
Identifiers: ClinVar variation 3903725 (VCV003903725.2).

ClinVar aggregate classification (germline): Benign/Likely benign. Review status: criteria provided, multiple submitters, no conflicts (2 of 4 stars). 2 submissions from 2 submitters: Benign (1); Likely benign (1). Last evaluated 2026-01-20.

Conditions:
Familial cancer of breast. Also called: BREAST CANCER, FAMILIAL; Hereditary breast cancer; hereditary breast carcinoma. Identifiers: Orphanet 227535, MedGen C0346153, MONDO:0016419, OMIM 114480. Disease mechanism: loss of function.
Hereditary cancer-predisposing syndrome. Also called: Neoplastic Syndromes, Hereditary; Tumor predisposition; Hereditary neoplastic syndrome; Hereditary Cancer Syndrome. Identifiers: Orphanet 140162, MedGen C0027672, MeSH D009386, MONDO:0015356.

Submissions (2):

Ambry Genetics
Classification: Likely benign for Hereditary cancer-predisposing syndrome. Last evaluated: 2026-01-20. Review status: criteria provided, single submitter. Criteria: Ambry Variant Classification Scheme 2023. Collection method: clinical testing. Allele origin: germline.

Myriad Genetics, Inc.
Classification: Benign for Familial cancer of breast. Last evaluated: 2025-01-14. Review status: criteria provided, single submitter. Criteria: Myriad Autosomal Dominant, Autosomal Recessive and X-Linked Classification Criteria (2023). Collection method: clinical testing. Allele origin: unknown.
Comment: This variant is considered benign. This variant is a silent/synonymous amino acid change and it is not expected to impact splicing.